The following is an entry in ClinVar:

ClinVar aggregate classification (germline): Uncertain significance (1 of 4 stars; one submission).

Conditions:
Cardiovascular phenotype. Identifiers: MedGen CN230736.

Submission:

Ambry Genetics
Classification: Uncertain significance for Cardiovascular phenotype. Last evaluated: 2025-03-01. Review status: criteria provided, single submitter. Criteria: Ambry Variant Classification Scheme 2023. Collection method: clinical testing. Allele origin: germline.
Comment: The c.-1G>T variant is located in the 5' untranslated region (5&rsquo; UTR) of the MYH6 gene. This variant results from a G to T substitution 1 bases upstream from the first translated codon. This nucleotide position is not well conserved in available vertebrate species. Based on the available evidence, the clinical significance of this variant remains unclear.

NM_002471.4(MYH6):c.-1G>T

Genes: MYH6 (myosin heavy chain 6; minus strand), LOC114827851 (VISTA enhancer hs2155; plus strand). Cytogenetic location: 14q11.2.
Variant type: single nucleotide variant.
Coding change: c.-1G>T on transcript NM_002471.4 (MANE Select); 1 bases upstream of the start codon, G replaced by T.
Molecular consequence: 5 prime UTR variant.
Genome position (GRCh38, 1-based): chr14:23,407,224, C>A on the plus strand (G>T on the coding strand, the complement: MYH6 is on the minus strand). VCF-style: chr14-23407224-C-A. GRCh37 (hg19) VCF-style: chr14-23876433-C-A.
Identifiers: ClinVar variation 3876465 (VCV003876465.1).